The following is an entry in ClinVar:

NM_006031.6(PCNT):c.8851C>A (p.Arg2951Ser)

Gene: PCNT (pericentrin; plus strand). Cytogenetic location: 21q22.3.
Variant type: single nucleotide variant.
Coding change: c.8851C>A on transcript NM_006031.6 (MANE Select); coding-DNA position 8851, C replaced by A.
Protein change: p.Arg2951Ser; replaces arginine 2951 with serine.
Molecular consequence: missense variant.
Genome position (GRCh38, 1-based): chr21:46,436,003, C>A. VCF-style: chr21-46436003-C-A. GRCh37 (hg19) VCF-style: chr21-47855916-C-A.
Other names: c.8260C>A, p.Arg2754Ser (NM_001315529.2); short protein forms R2754S, R2951S.
Identifiers: ClinVar variation 4995673 (VCV004995673.1).

ClinVar aggregate classification (germline): Uncertain significance (1 of 4 stars; one submission).

Conditions:
PCNT-related disorder. Also called: PCNT-related condition.

Submission:

PreventionGenetics, part of Exact Sciences
Classification: Uncertain significance for PCNT-related condition. Last evaluated: 2026-08-07. Review status: criteria provided, single submitter. Criteria: ACMG Guidelines, 2015. Collection method: clinical testing. Allele origin: germline.
Comment: The PCNT c.8851C>A variant is predicted to result in the amino acid substitution p.Arg2951Ser. To our knowledge, this variant has not been reported in the literature or in a large population database (gnomAD), indicating this variant is rare. At this time, the clinical significance of this variant is uncertain due to the absence of conclusive functional and genetic evidence.